The following is an entry in ClinVar:

ClinVar aggregate classification (germline): Uncertain significance (1 of 4 stars; one submission).

Conditions:
Hereditary cancer-predisposing syndrome. Also called: Neoplastic Syndromes, Hereditary; Tumor predisposition; Hereditary neoplastic syndrome; Hereditary Cancer Syndrome. Identifiers: Orphanet 140162, MedGen C0027672, MeSH D009386, MONDO:0015356.

Submission:

Ambry Genetics
Classification: Uncertain significance for Hereditary cancer-predisposing syndrome. Last evaluated: 2026-07-06. Review status: criteria provided, single submitter. Criteria: Ambry Variant Classification Scheme 2023. Collection method: clinical testing. Allele origin: germline.
Comment: The p.A1922G variant (also known as c.5765C>G), located in coding exon 10 of the BRCA2 gene, results from a C to G substitution at nucleotide position 5765. The alanine at codon 1922 is replaced by glycine, an amino acid with similar properties. This amino acid position is conserved. In addition, this alteration is predicted to be tolerated by in silico analysis. Based on the available evidence, the clinical significance of this variant remains unclear.

NM_000059.4(BRCA2):c.5765C>G (p.Ala1922Gly)

Gene: BRCA2 (BRCA2 DNA repair associated; plus strand). Cytogenetic location: 13q13.1.
Variant type: single nucleotide variant.
Coding change: c.5765C>G on transcript NM_000059.4 (MANE Select); coding-DNA position 5765, C replaced by G.
Protein change: p.Ala1922Gly; replaces alanine 1922 with glycine.
Molecular consequence: missense variant. On other transcripts: non-coding transcript variant (1), intron variant (2).
Genome position (GRCh38, 1-based): chr13:32,340,120, C>G. VCF-style: chr13-32340120-C-G. GRCh37 (hg19) VCF-style: chr13-32914257-C-G.
Other names: c.5765C>G, p.Ala1922Gly (NM_001406719.1, NM_001406720.1, NM_001432077.1); c.1910-4438C>G (NM_001406721.1); c.425-4438C>G (NM_001406722.1); short protein forms A1922G.
Identifiers: ClinVar variation 5033284 (VCV005033284.1).
Genomic context (GRCh38, chr13:32,340,120, plus strand): 5'-ATATTCTTCATAACTCTCTAGATAATGATGAATGTAGCACGCATTCACATAAGGTTTTTG[C>G]TGACATTCAGAGTGAAGAAATTTTACAACATAACCAAAATATGTCTGGATTGGAGAAAGT-3'
Protein context (NP_000050.3, residues 1912-1932): ECSTHSHKVF[Ala1922Gly]DIQSEEILQH